The following is an entry in ClinVar:

ClinVar aggregate classification (germline): Uncertain significance. Review status: criteria provided, multiple submitters, no conflicts (2 of 4 stars). 5 submissions from 5 submitters: Uncertain significance (5). Last evaluated 2023-05-24.

Conditions:
Usher syndrome type 2C. Also called: Usher syndrome, type 2B; USHER SYNDROME, TYPE IIC. Identifiers: Orphanet 231178, Orphanet 886, MedGen C2931213, MONDO:0011558, OMIM 605472.
Febrile seizures, familial, 4 (FEB4). Also called: CONVULSIONS, FAMILIAL FEBRILE, 4. Identifiers: MedGen C1858493, MONDO:0011443, OMIM 604352.
Inborn genetic diseases. Identifiers: MedGen C0950123, MeSH D030342.

Allele frequency attached by ClinVar (database versions not stated): TOPMed 0.00001; 1000 Genomes Project 30x 0.00016; 1000 Genomes Project 0.00020.
gnomAD v4.1: 44 of 1,613,992 alleles (0.0027%); highest among the groups gnomAD compares: Non-Finnish European, 0.0036%; no homozygotes.

Submissions (5):

Blueprint Genetics
Classification: Uncertain significance. Last evaluated: 2023-05-24. Review status: criteria provided, single submitter. Criteria: ACMG Guidelines, 2015. Collection method: clinical testing. Allele origin: germline.

Labcorp Genetics (formerly Invitae), Labcorp
Classification: Uncertain significance. Last evaluated: 2022-10-24. Review status: criteria provided, single submitter. Criteria: Invitae Variant Classification Sherloc (09022015). Collection method: clinical testing. Allele origin: germline.
Comment: This sequence change replaces valine, which is neutral and non-polar, with glutamic acid, which is acidic and polar, at codon 2524 of the ADGRV1 protein (p.Val2524Glu). This variant is present in population databases (rs191036195, gnomAD 0.006%). This variant has not been reported in the literature in individuals affected with ADGRV1-related conditions. ClinVar contains an entry for this variant (Variation ID: 228723). Advanced modeling of protein sequence and biophysical properties (such as structural, functional, and spatial information, amino acid conservation, physicochemical variation, residue mobility, and thermodynamic stability) has been performed at Invitae for this missense variant, however the output from this modeling did not meet the statistical confidence thresholds required to predict the impact of this variant on ADGRV1 protein function. In summary, the available evidence is currently insufficient to determine the role of this variant in disease. Therefore, it has been classified as a Variant of Uncertain Significance.

Ambry Genetics
Classification: Uncertain significance for Inborn genetic diseases. Last evaluated: 2021-12-06. Review status: criteria provided, single submitter. Criteria: Ambry Variant Classification Scheme 2023. Collection method: clinical testing. Allele origin: germline.

Fulgent Genetics
Classification: Uncertain significance for Febrile seizures, familial, 4; Usher syndrome type 2C. Last evaluated: 2018-10-31. Review status: criteria provided, single submitter. Criteria: ACMG Guidelines, 2015. Collection method: clinical testing. Allele origin: unknown.

Laboratory for Molecular Medicine, Mass General Brigham Personalized Medicine
Classification: Uncertain significance. Last evaluated: 2015-02-02. Review status: criteria provided, single submitter. Criteria: LMM Criteria. Collection method: clinical testing. Allele origin: germline. Observed: 1 variant allele.
Comment: The p.Val2524Glu variant in GPR98 has not been previously reported in individual s with hearing loss, but has been identified in 2/67672 of European chromosomes by the Exome Aggregation Consortium (ExAC; dbSNP rs191036195). Although this variant has been seen in the general population, it s frequency is not high enough to rule out a pathogenic role. Computational pred iction tools and conservation analyses do not provide strong support for or agai nst an impact to the protein. In summary, the clinical significance of the Val25 24Glu variant is uncertain.

NM_032119.4(ADGRV1):c.7571T>A (p.Val2524Glu)

Gene: ADGRV1 (adhesion G protein-coupled receptor V1; plus strand). Cytogenetic location: 5q14.3.
Variant type: single nucleotide variant.
Coding change: c.7571T>A on transcript NM_032119.4 (MANE Select); coding-DNA position 7571, T replaced by A.
Protein change: p.Val2524Glu; replaces valine 2524 with glutamic acid.
Molecular consequence: missense variant. On other transcripts: non-coding transcript variant (1).
Genome position (GRCh38, 1-based): chr5:90,694,327, T>A. VCF-style: chr5-90694327-T-A. GRCh37 (hg19) VCF-style: chr5-89990144-T-A.
Other names: short protein forms V2524E.
Identifiers: ClinVar variation 228723 (VCV000228723.12), dbSNP rs191036195, ClinGen allele CA3340057.
Genomic context (GRCh38, chr5:90,694,327, plus strand): 5'-AGCCTGTGACAAGGCAATGGGCCATAATGCAGGAAGGTGATGAATTCGCAAATCTCACAG[T>A]GTCTATTCTTCCTGATGATTTCCCAGAGATGGATGAGAGTTTTCTAATTTCTCTCCTTGA-3'
Protein context (NP_115495.3, residues 2514-2534): QEGDEFANLT[Val2524Glu]SILPDDFPEM